The following is an entry in ClinVar:

ClinVar aggregate classification (germline): Conflicting classifications of pathogenicity. Review status: criteria provided, conflicting classifications (1 of 4 stars). 2 submissions from 2 submitters: Uncertain significance (1); Likely benign (1). Last evaluated 2025-12-31.

Allele frequency attached by ClinVar (database versions not stated): gnomAD exomes 0.00009; ExAC 0.00018; 1000 Genomes Project 30x 0.00031; 1000 Genomes Project 0.00040.
gnomAD v4.1: 147 of 1,613,920 alleles (0.0091%); highest among the groups gnomAD compares: South Asian, 0.13%; 2 homozygotes.

Submissions (2):

Women's Health and Genetics/Laboratory Corporation of America, LabCorp
Classification: Likely benign. Last evaluated: 2025-12-31. Review status: criteria provided, single submitter. Criteria: LabCorp Variant Classification Summary - May 2015. Collection method: clinical testing. Allele origin: germline.
Comment: Variant summary: ZNF407 c.3575A>G (p.Tyr1192Cys) results in a non-conservative amino acid change in the encoded protein sequence. Algorithms developed to predict the effect of missense changes on protein structure and function are either unavailable or do not agree on the potential impact of this missense change. The variant allele was found at a frequency of 9.1e-05 in 1606946 control chromosomes, including 2 homozygotes; predominantly at a frequency of 0.0013 within the South Asian subpopulation in the gnomAD database. The relatively high allele frequency together with the occurrences in homozygotes that this variant is likely not associated with a high penetrance, severe, early onset disease phenotype. To our knowledge, no occurrence of c.3575A>G in individuals affected with ZNF407-related conditions and no experimental evidence demonstrating its impact on protein function have been reported. However, sequence comparison with other vertebrate species indicates the variant is located to a moderately conserved region, and the Tyr to Cys substitution at this codon is phylogenetically not constrained (e.g. PMID 29358731). ClinVar contains an entry for this variant (Variation ID: 3195546). Based on the evidence outlined above, the variant was classified as likely benign.

Ambry Genetics
Classification: Uncertain significance. Last evaluated: 2023-10-05. Review status: criteria provided, single submitter. Criteria: Ambry Variant Classification Scheme 2023. Collection method: clinical testing. Allele origin: germline.

NM_017757.3(ZNF407):c.3575A>G (p.Tyr1192Cys)

Genes: ZNF407 (zinc finger protein 407; plus strand), LOC126862798 (MED14-independent group 3 enhancer GRCh37_chr18:72345358-72346557; plus strand). Cytogenetic location: 18q22.3.
Variant type: single nucleotide variant.
Coding change: c.3575A>G on transcript NM_017757.3 (MANE Select); coding-DNA position 3575, A replaced by G.
Protein change: p.Tyr1192Cys; replaces tyrosine 1192 with cysteine.
Molecular consequence: missense variant.
Genome position (GRCh38, 1-based): chr18:74,634,594, A>G. VCF-style: chr18-74634594-A-G. GRCh37 (hg19) VCF-style: chr18-72346550-A-G.
Other names: c.3575A>G, p.Tyr1192Cys (NM_001146189.1, NM_001146190.1, NM_001384475.1); short protein forms Y1192C.
Identifiers: ClinVar variation 3195546 (VCV003195546.2), dbSNP rs541051452, ClinGen allele CA9000703.